The following is an entry in ClinVar:

ClinVar aggregate classification (germline): Pathogenic (1 of 4 stars; one submission).

Conditions:
Macrocephaly-developmental delay syndrome (MRT41). Also called: INTELLECTUAL DEVELOPMENTAL DISORDER, AUTOSOMAL RECESSIVE 41. Identifiers: Orphanet 397612, MedGen C3810225, MONDO:0014289, OMIM 615637.

Submission:

Labcorp Genetics (formerly Invitae), Labcorp
Classification: Pathogenic for Macrocephaly-developmental delay syndrome. Last evaluated: 2025-06-29. Review status: criteria provided, single submitter. Criteria: Invitae Variant Classification Sherloc (09022015). Collection method: clinical testing. Allele origin: germline.
Comment: This sequence change affects a donor splice site in intron 6 of the KPTN gene. It is expected to disrupt RNA splicing. Variants that disrupt the donor or acceptor splice site typically lead to a loss of protein function (PMID: 16199547), and loss-of-function variants in KPTN are known to be pathogenic (PMID: 24239382, 25847626). This variant is not present in population databases (gnomAD no frequency). Disruption of this splice site has been observed in individuals with KPTN-related conditions (PMID: 36703628). Algorithms developed to predict the effect of sequence changes on RNA splicing suggest that this variant may disrupt the consensus splice site. For these reasons, this variant has been classified as Pathogenic.

Literature cited by the submitters: PubMed 16199547; PubMed 24239382; PubMed 25847626; PubMed 36703628.

NM_007059.4(KPTN):c.599+1G>T

Gene: KPTN (kaptin, actin binding protein; minus strand). Cytogenetic location: 19q13.32.
Variant type: single nucleotide variant.
Coding change: c.599+1G>T on transcript NM_007059.4 (MANE Select); the canonical splice donor site of the intron after coding-DNA position 599, G replaced by T.
Molecular consequence: splice donor variant.
Genome position (GRCh38, 1-based): chr19:47,480,759, C>A on the plus strand (G>T on the coding strand, the complement: KPTN is on the minus strand). VCF-style: chr19-47480759-C-A. GRCh37 (hg19) VCF-style: chr19-47984016-C-A.
Other names: c.431+1G>T (NM_001291296.2).
Identifiers: ClinVar variation 4796903 (VCV004796903.1).